The following is an entry in ClinVar:

ClinVar aggregate classification (germline): Conflicting classifications of pathogenicity. Review status: criteria provided, conflicting classifications (1 of 4 stars). 3 submissions from 3 submitters: Likely pathogenic (1); Uncertain significance (2). Last evaluated 2026-05-14.

Conditions:
Galactosylceramide beta-galactosidase deficiency. Also called: Krabbe Disease; GALACTOCEREBROSIDASE DEFICIENCY; GALC DEFICIENCY; GLOBOID CELL LEUKOENCEPHALOPATHY; Leukodystrophy, Globoid Cell. Identifiers: Orphanet 487, MedGen C0023521, MONDO:0009499, OMIM 245200.

Allele frequency attached by ClinVar (database versions not stated): TOPMed 0.00002.
gnomAD v4.1: 10 of 1,610,020 alleles (0.00062%); highest among the groups gnomAD compares: Middle Eastern, 0.017%; no homozygotes.

Submissions (3):

Myriad Genetics, Inc.
Classification: Uncertain significance for Galactosylceramide beta-galactosidase deficiency. Last evaluated: 2026-05-14. Review status: criteria provided, single submitter. Criteria: Myriad Autosomal Dominant, Autosomal Recessive and X-Linked Classification Criteria (2023). Collection method: clinical testing. Allele origin: unknown.
Comment: NM_000153.3(GALC):c.200C>T(T67I) is a missense variant classified as a variant of uncertain significance in the context of Krabbe disease. T67I has been observed in a case with relevant disease (PMID: 23197103). Relevant functional assessments of this variant are not available in the literature. T67I has not been observed in referenced population frequency databases. In summary, there is insufficient evidence to classify NM_000153.3(GALC):c.200C>T(T67I) as pathogenic or benign. Please note: this variant was assessed in the context of healthy population screening.

Labcorp Genetics (formerly Invitae), Labcorp
Classification: Likely pathogenic for Galactosylceramide beta-galactosidase deficiency. Last evaluated: 2026-01-18. Review status: criteria provided, single submitter. Criteria: Invitae Variant Classification Sherloc (09022015). Collection method: clinical testing. Allele origin: germline.
Comment: This sequence change replaces threonine, which is neutral and polar, with isoleucine, which is neutral and non-polar, at codon 67 of the GALC protein (p.Thr67Ile). This variant is not present in population databases (gnomAD no frequency). This missense change has been observed in individual(s) with Krabbe disease (PMID: 23197103). This variant is also known as p.Thr51Ile. ClinVar contains an entry for this variant (Variation ID: 1067798). Invitae Evidence Modeling of protein sequence and biophysical properties (such as structural, functional, and spatial information, amino acid conservation, physicochemical variation, residue mobility, and thermodynamic stability) indicates that this missense variant is expected to disrupt GALC protein function with a positive predictive value of 95%. In summary, the currently available evidence indicates that the variant is pathogenic, but additional data are needed to prove that conclusively. Therefore, this variant has been classified as Likely Pathogenic.

Women's Health and Genetics/Laboratory Corporation of America, LabCorp
Classification: Uncertain significance. Last evaluated: 2025-10-24. Review status: criteria provided, single submitter. Criteria: LabCorp Variant Classification Summary - May 2015. Collection method: clinical testing. Allele origin: germline.
Comment: Variant summary: GALC c.200C>T (p.Thr67Ile) results in a non-conservative amino acid change located in the Glycosyl hydrolase family 59, catalytic domain (IPR049161) of the encoded protein sequence. Algorithms developed to predict the effect of missense changes on protein structure and function all suggest that this variant is likely to be disruptive. The variant was absent in 248722 control chromosomes (gnomAD). c.200C>T has been reported in the literature as a presumed compound heterozygous genotype in at-least one individual affected with late onset Krabbe Disease (example, Debs_2013). To our knowledge, no experimental evidence demonstrating an impact on protein function has been reported. The following publications have been ascertained in the context of this evaluation (PMID: 35286032, 23197103, 35013804, 32186243). ClinVar contains an entry for this variant (Variation ID: 1067798). Based on the evidence outlined above, the variant was classified as VUS-possibly pathogenic.

Literature cited by the submitters: PubMed 23197103 (cited by 3 submitters); PubMed 35013804 (cited by Women's Health and Genetics/Laboratory Corporation of America, LabCorp); PubMed 35286032 (cited by Women's Health and Genetics/Laboratory Corporation of America, LabCorp); PubMed 32186243 (cited by Women's Health and Genetics/Laboratory Corporation of America, LabCorp).

NM_000153.4(GALC):c.200C>T (p.Thr67Ile)

Gene: GALC (galactosylceramidase; minus strand). Cytogenetic location: 14q31.3.
Variant type: single nucleotide variant.
Coding change: c.200C>T on transcript NM_000153.4 (MANE Select); coding-DNA position 200, C replaced by T.
Protein change: p.Thr67Ile; replaces threonine 67 with isoleucine.
Molecular consequence: missense variant. On other transcripts: intron variant (1).
Genome position (GRCh38, 1-based): chr14:87,988,519, G>A on the plus strand (C>T on the coding strand, the complement: GALC is on the minus strand). VCF-style: chr14-87988519-G-A. GRCh37 (hg19) VCF-style: chr14-88454863-G-A.
Other names: c.122C>T, p.Thr41Ile (NM_001201402.2); c.196-312C>T (NM_001201401.2); short protein forms T41I, T67I.
Identifiers: ClinVar variation 1067798 (VCV001067798.14), dbSNP rs1478697086, ClinGen allele CA390753447.